The following is an entry in ClinVar:

ClinVar aggregate classification (germline): Likely benign. Review status: criteria provided, multiple submitters, no conflicts (2 of 4 stars). 4 submissions from 4 submitters: Likely benign (4). Last evaluated 2025-07-29.

Conditions:
CHRNA4-related disorder. Also called: CHRNA4-related condition.
Familial sleep-related hypermotor epilepsy. Also called: Autosomal Dominant Sleep-Related Hypermotor (Hyperkinetic) Epilepsy. Identifiers: Orphanet 98784, MedGen C3696898, MONDO:0000030.

Allele frequency attached by ClinVar (database versions not stated): TOPMed 0.00006; 1000 Genomes Project 30x 0.00016; 1000 Genomes Project 0.00020.
gnomAD v4.1: 67 of 1,611,492 alleles (0.0042%); highest among the groups gnomAD compares: Admixed American, 0.083%; no homozygotes.

Submissions (4):

PreventionGenetics, part of Exact Sciences
Classification: Likely benign for CHRNA4-related condition. Last evaluated: 2025-07-29. Review status: criteria provided, single submitter. Criteria: ACMG Guidelines, 2015. Collection method: clinical testing. Allele origin: germline.
Comment: This variant is classified as likely benign based on ACMG/AMP sequence variant interpretation guidelines (Richards et al. 2015 PMID: 25741868, with internal and published modifications).

CeGaT Center for Human Genetics Tuebingen
Classification: Likely benign. Last evaluated: 2025-07-01. Review status: criteria provided, single submitter. Criteria: CeGaT Center For Human Genetics Tuebingen Variant Classification Criteria Version 2. Collection method: clinical testing. Allele origin: germline. Affected: yes. Observed: 1 variant allele.
Comment: CHRNA4: BP4, BP7

Labcorp Genetics (formerly Invitae), Labcorp
Classification: Likely benign. Last evaluated: 2025-01-24. Review status: criteria provided, single submitter. Criteria: Invitae Variant Classification Sherloc (09022015). Collection method: clinical testing. Allele origin: germline.

GeneDx
Classification: Likely benign. Last evaluated: 2018-07-03. Review status: criteria provided, single submitter. Criteria: GeneDx Variant Classification Process June 2021. Collection method: clinical testing. Allele origin: germline. Affected: yes.

NM_000744.7(CHRNA4):c.363G>A (p.Pro121=)

Genes: CHRNA4 (cholinergic receptor nicotinic alpha 4 subunit; minus strand), LOC126863087 (P300/CBP strongly-dependent group 1 enhancer GRCh37_chr20:61986832-61988031; plus strand). Cytogenetic location: 20q13.33.
Variant type: single nucleotide variant.
Coding change: c.363G>A on transcript NM_000744.7 (MANE Select); coding-DNA position 363, G replaced by A.
Protein change: p.Pro121=; no amino-acid change (proline 121 retained).
Molecular consequence: synonymous variant. On other transcripts: 5 prime UTR variant (1), non-coding transcript variant (1).
Genome position (GRCh38, 1-based): chr20:63,355,995, C>T on the plus strand (G>A on the coding strand, the complement: CHRNA4 is on the minus strand). VCF-style: chr20-63355995-C-T. GRCh37 (hg19) VCF-style: chr20-61987347-C-T.
Other names: c.-184G>A (NM_001256573.2).
Identifiers: ClinVar variation 954127 (VCV000954127.27), dbSNP rs149936966, ClinGen allele CA9957859.